The following is an entry in ClinVar:

NM_000245.4(MET):c.1801A>G (p.Thr601Ala)

Gene: MET (MET proto-oncogene, receptor tyrosine kinase; plus strand). Cytogenetic location: 7q31.2.
Variant type: single nucleotide variant.
Coding change: c.1801A>G on transcript NM_000245.4 (MANE Select); coding-DNA position 1801, A replaced by G.
Protein change: p.Thr601Ala; replaces threonine 601 with alanine.
Molecular consequence: missense variant.
Genome position (GRCh38, 1-based): chr7:116,755,454, A>G. VCF-style: chr7-116755454-A-G. GRCh37 (hg19) VCF-style: chr7-116395508-A-G.
Other names: c.1801A>G, p.Thr601Ala (NM_001127500.3, NM_001324401.3); c.511A>G, p.Thr171Ala (NM_001324402.2); short protein forms T601A, T171A.
Identifiers: ClinVar variation 454197 (VCV000454197.18), dbSNP rs1216005099, ClinGen allele CA368978009.

ClinVar aggregate classification (germline): Uncertain significance. Review status: criteria provided, multiple submitters, no conflicts (2 of 4 stars). 4 submissions from 4 submitters: Uncertain significance (4). Last evaluated 2025-10-11.

Conditions:
Autosomal recessive nonsyndromic hearing loss 97. Also called: Deafness, autosomal recessive 97. Identifiers: Orphanet 90636, MedGen C4084709, MONDO:0014739, OMIM 616705.
Renal cell carcinoma. Identifiers: Orphanet 217071, MedGen C0007134, MeSH D002292, MONDO:0005086, HP:0005584.
Hereditary cancer-predisposing syndrome. Also called: Hereditary Cancer Syndrome; Hereditary neoplastic syndrome; Neoplastic Syndromes, Hereditary; Tumor predisposition. Identifiers: Orphanet 140162, MedGen C0027672, MeSH D009386, MONDO:0015356.

Allele frequency attached by ClinVar (database versions not stated): gnomAD exomes below 0.00001 and 0.00001; TOPMed 0.00001.
gnomAD v4.1: 17 of 1,614,156 alleles (0.0011%); highest among the groups gnomAD compares: Non-Finnish European, 0.0014%; no homozygotes.

Submissions (4):

Labcorp Genetics (formerly Invitae), Labcorp
Classification: Uncertain significance for Renal cell carcinoma. Last evaluated: 2025-10-11. Review status: criteria provided, single submitter. Criteria: Invitae Variant Classification Sherloc (09022015). Collection method: clinical testing. Allele origin: germline.
Comment: This sequence change replaces threonine, which is neutral and polar, with alanine, which is neutral and non-polar, at codon 601 of the MET protein (p.Thr601Ala). This variant is present in population databases (no rsID available, gnomAD 0.0009%). This variant has not been reported in the literature in individuals affected with MET-related conditions. ClinVar contains an entry for this variant (Variation ID: 454197). Invitae Evidence Modeling of protein sequence and biophysical properties (such as structural, functional, and spatial information, amino acid conservation, physicochemical variation, residue mobility, and thermodynamic stability) has been performed for this missense variant. However, the output from this modeling did not meet the statistical confidence thresholds required to predict the impact of this variant on MET protein function. In summary, the available evidence is currently insufficient to determine the role of this variant in disease. Therefore, it has been classified as a Variant of Uncertain Significance.

Ambry Genetics
Classification: Uncertain significance for Hereditary cancer-predisposing syndrome. Last evaluated: 2024-04-24. Review status: criteria provided, single submitter. Criteria: Ambry Variant Classification Scheme 2023. Collection method: clinical testing. Allele origin: germline.
Comment: The p.T601A variant (also known as c.1801A>G), located in coding exon 5 of the MET gene, results from an A to G substitution at nucleotide position 1801. The threonine at codon 601 is replaced by alanine, an amino acid with similar properties. This amino acid position is highly conserved in available vertebrate species. In addition, the in silico prediction for this alteration is inconclusive. Based on the available evidence, the clinical significance of this variant remains unclear.

Baylor Genetics
Classification: Uncertain significance for Autosomal recessive nonsyndromic hearing loss 97. Last evaluated: 2023-12-12. Review status: criteria provided, single submitter. Criteria: ACMG Guidelines, 2015. Collection method: clinical testing. Allele origin: unknown.

GeneDx
Classification: Uncertain significance. Last evaluated: 2022-06-14. Review status: criteria provided, single submitter. Criteria: GeneDx Variant Classification Process June 2021. Collection method: clinical testing. Allele origin: germline. Affected: yes.
Comment: Not observed at significant frequency in large population cohorts (gnomAD); In silico analysis supports that this missense variant does not alter protein structure/function; Has not been previously published as pathogenic or benign to our knowledge